The following is an entry in ClinVar:

NM_006439.5(MAB21L2):c.545G>A (p.Arg182His)

Genes: LRBA (LPS responsive beige-like anchor protein; minus strand), MAB21L2 (mab-21 like 2; plus strand). Cytogenetic location: 4q31.3.
Variant type: single nucleotide variant.
Coding change: c.545G>A on transcript NM_006439.5 (MANE Select); coding-DNA position 545, G replaced by A.
Protein change: p.Arg182His; replaces arginine 182 with histidine.
Molecular consequence: missense variant. On other transcripts: intron variant (6).
Genome position (GRCh38, 1-based): chr4:150,583,574, G>A. VCF-style: chr4-150583574-G-A. GRCh37 (hg19) VCF-style: chr4-151504726-G-A.
Other names: c.6330+4474C>T (NM_001367550.1, NM_001199282.3, NM_001364905.1 and 1 more transcripts); c.6363+4474C>T (NM_006726.5, NM_001440430.1); short protein forms R182H.
Identifiers: ClinVar variation 4988538 (VCV004988538.1).

ClinVar aggregate classification (germline): Uncertain significance (1 of 4 stars; one submission).

Conditions:
MAB21L2-related disorder. Also called: MAB21L2-related condition.

Submission:

PreventionGenetics, part of Exact Sciences
Classification: Uncertain significance for MAB21L2-related condition. Last evaluated: 2025-06-20. Review status: criteria provided, single submitter. Criteria: ACMG Guidelines, 2015. Collection method: clinical testing. Allele origin: germline.
Comment: The MAB21L2 c.545G>A variant is predicted to result in the amino acid substitution p.Arg182His. To our knowledge, this variant has not been reported in the literature or in a large population database (gnomAD), indicating this variant is rare. At this time, the clinical significance of this variant is uncertain due to the absence of conclusive functional and genetic evidence.